The following is an entry in ClinVar:

NM_007294.4(BRCA1):c.5165C>T (p.Ser1722Phe)

Gene: BRCA1 (BRCA1 DNA repair associated; minus strand). Cytogenetic location: 17q21.31.
Variant type: single nucleotide variant.
Coding change: c.5165C>T on transcript NM_007294.4 (MANE Select); coding-DNA position 5165, C replaced by T.
Protein change: p.Ser1722Phe; replaces serine 1722 with phenylalanine.
Molecular consequence: missense variant. On other transcripts: non-coding transcript variant (1).
Genome position (GRCh38, 1-based): chr17:43,063,361, G>A on the plus strand (C>T on the coding strand, the complement: BRCA1 is on the minus strand). VCF-style: chr17-43063361-G-A. GRCh37 (hg19) VCF-style: chr17-41215378-G-A.
Other names: 5284C>T; c.5159C>T, p.Ser1720Phe (NM_001407628.1, NM_001407629.1, NM_001407630.1 and 14 more transcripts); c.5108C>T, p.Ser1703Phe (NM_001407648.1); c.5105C>T, p.Ser1702Phe (NM_001407649.1); c.5087C>T, p.Ser1696Phe (NM_001407652.1, NM_001407653.1, NM_001407654.1 and 1 more transcripts); c.5084C>T, p.Ser1695Phe (NM_001407656.1, NM_001407657.1, NM_001407658.1); c.5081C>T, p.Ser1694Phe (NM_001407659.1, NM_001407660.1, NM_001407661.1 and 2 more transcripts); c.5042C>T, p.Ser1681Phe (NM_001407669.1, NM_001407664.1, NM_001407665.1 and 6 more transcripts); and 73 more; short protein forms S1722F, S1675F, S1743F, S618F, S1674F, S1680F, S1702F, S1718F.
Identifiers: ClinVar variation 55441 (VCV000055441.56), dbSNP rs80357104, ClinGen allele CA003318.

ClinVar aggregate classification (germline): Conflicting classifications of pathogenicity. Review status: criteria provided, conflicting classifications (1 of 4 stars). 21 submissions from 20 submitters: Pathogenic (6); Likely pathogenic (10); Uncertain significance (1). 4 of the submissions do not count toward it. Last evaluated 2025-12-05.

Conditions:
Malignant tumor of breast. Also called: Cancer breast; Malignant breast neoplasm. Identifiers: MedGen C0006142, MONDO:0007254. Disease mechanism: loss of function.
Breast-ovarian cancer, familial, susceptibility to, 1 (BROVCA1). Also called: BRCA1 Hereditary Breast and Ovarian Cancer; OVARIAN CANCER, SUSCEPTIBILITY TO. Identifiers: Orphanet 145, MedGen C2676676, MONDO:0011450, OMIM 604370. Disease mechanism: loss of function.
Familial cancer of breast. Also called: hereditary breast carcinoma; BREAST CANCER, FAMILIAL; Hereditary breast cancer. Identifiers: Orphanet 227535, MedGen C0346153, MONDO:0016419, OMIM 114480. Disease mechanism: loss of function.
Fanconi anemia, complementation group S (FANCS). Identifiers: MedGen C4554406, MONDO:0054748, OMIM 617883.
Pancreatic cancer, susceptibility to, 4. Identifiers: Orphanet 1333, MedGen C3280442, MONDO:0013685, OMIM 614320.
Hereditary cancer-predisposing syndrome. Also called: Hereditary Cancer Syndrome; Hereditary neoplastic syndrome; Neoplastic Syndromes, Hereditary; Tumor predisposition. Identifiers: Orphanet 140162, MedGen C0027672, MeSH D009386, MONDO:0015356.
Hereditary breast ovarian cancer syndrome. Also called: BRCA1- and BRCA2-Associated Hereditary Breast and Ovarian Cancer; Hereditary breast and ovarian cancer syndrome; Hereditary breast and ovarian cancer syndrome (HBOC); Breast and ovarian cancer; Hereditary breast and/or ovarian cancer syndrome; Hereditary breast and ovarian cancer. Identifiers: Orphanet 145, MedGen C0677776, MeSH D061325, MONDO:0003582. Disease mechanism: loss of function.

Allele frequency attached by ClinVar (database versions not stated): gnomAD exomes below 0.00001.
gnomAD v4.1: 1 of 1,611,462 alleles (0.000062%); highest among the groups gnomAD compares: Admixed American, 0.0017%; no homozygotes.

Submissions 1 to 6 of 22:

Women's Health and Genetics/Laboratory Corporation of America, LabCorp
Classification: Likely pathogenic for Hereditary breast ovarian cancer syndrome. Last evaluated: 2025-12-05. Review status: criteria provided, single submitter. Criteria: LabCorp Variant Classification Summary - May 2015. Collection method: clinical testing. Allele origin: germline.
Comment: Variant summary: BRCA1 c.5165C>T (p.Ser1722Phe) results in a non-conservative amino acid change in the encoded protein sequence. Algorithms developed to predict the effect of missense changes on protein structure and function all suggest that this variant is likely to be disruptive. The variant was absent in 251036 control chromosomes. c.5165C>T has been observed in individuals with a personal and/or family history of breast and/or ovarian cancer (e.g. Judkins_2005, Lu_2012, Chan_2018, Lynce_2020, Ho_2024). Publications also reported experimental evidence demonstrating decreased structural stability, impaired phosphopeptide binding, and transcriptional activity (Lee_2010); and in a recent high throughput genome editing assay the variant resulted in a decreased (intermediate) function when testing it in a haploid human cell line whose survival is dependent on intact BRCA1 function (Findlay_2018). The following publications have been ascertained in the context of this evaluation (PMID: 12496477, 24845084, 30093976, 30765603, 30209399, 38333895, 16267036, 17305420, 20516115, 33206196, 22476429, 33010199, 30264118, 15172985, 31481248, 30875412, 15385441, 25085752, 29446198, 20378548, 23704879, 28781887). ClinVar contains an entry for this variant (Variation ID: 55441). Based on the evidence outlined above, the variant was classified as likely pathogenic.

Labcorp Genetics (formerly Invitae), Labcorp
Classification: Likely pathogenic for Hereditary breast ovarian cancer syndrome. Last evaluated: 2025-11-22. Review status: criteria provided, single submitter. Criteria: Invitae Variant Classification Sherloc (09022015). Collection method: clinical testing. Allele origin: germline.
Comment: This sequence change replaces serine, which is neutral and polar, with phenylalanine, which is neutral and non-polar, at codon 1722 of the BRCA1 protein (p.Ser1722Phe). This variant is not present in population databases (gnomAD no frequency). This missense change has been observed in individual(s) with breast cancer and/or ovarian cancer (PMID: 22476429, 28888541, 30093976, 35264596). ClinVar contains an entry for this variant (Variation ID: 55441). Invitae Evidence Modeling of protein sequence and biophysical properties (such as structural, functional, and spatial information, amino acid conservation, physicochemical variation, residue mobility, and thermodynamic stability) indicates that this missense variant is expected to disrupt BRCA1 protein function with a positive predictive value of 95%. Experimental studies have shown that this missense change affects BRCA1 function (PMID: 12496477, 20516115). In summary, the currently available evidence indicates that the variant is pathogenic, but additional data are needed to prove that conclusively. Therefore, this variant has been classified as Likely Pathogenic.

GeneDx
Classification: Likely pathogenic. Last evaluated: 2025-08-05. Review status: criteria provided, single submitter. Criteria: GeneDx Variant Classification Process June 2021. Collection method: clinical testing. Allele origin: germline. Affected: yes.
Comment: Observed in individuals with BRCA1-related cancers (PMID: 22476429, 30093976, 30264118, 30875412, 35264596); Published functional studies demonstrate a damaging effect with respect to protein folding, phosphopeptide binding activity and specificity, transcriptional activity, homology-directed repair, and cell viability (PMID: 12496477, 20516115, 30209399, 30765603, 35665744); In silico analysis supports that this missense variant has a deleterious effect on protein structure/function; Not observed at significant frequency in large population cohorts (gnomAD); Also known as 5284C>T; This variant is associated with the following publications: (PMID: 15172985, 30209399, 16267036, 20516115, 25085752, 12496477, 17305420, 22476429, 28781887, 15385441, 29446198, 23704879, 30264118, 30093976, 30765603, 31447099, 33087888, 30875412, 30787465, 33526602, 32377563, 35665744, 29884841, 33206196, 35264596, 33010199, 36260514, 28888541, 25348405)

Center for Genomic Medicine, Rigshospitalet, Copenhagen University Hospital
Classification: Likely pathogenic. Last evaluated: 2025-03-04. Review status: criteria provided, single submitter. Criteria: ACMG Guidelines, 2015. Collection method: clinical testing. Allele origin: germline.

Molecular Diagnostics Laboratory, Catalan Institute of Oncology
Classification: Uncertain significance for Hereditary cancer-predisposing syndrome. Last evaluated: 2024-12-17. Review status: criteria provided, single submitter. Criteria: ClinGen BRCA1BRCA2 ACMG Specifications BRCA1 V1.0.0. Collection method: clinical testing. Allele origin: germline.
Comment: PM2_Supporting, PP3 c.5165C>T, located in exon 18 (19 according BIC nomenclature) of the BRCA1 gene, is predicted to result in the substitution of serine by phenylalanine at codon 1722, p.(Ser1722Phe). It is not present in the population database gnomAD v2.1.1, non cancer dataset (PM2_supporting). The variant, located in a (potentially) clinically important functional domain of BRCA1, is predicted to not have a significant impact on splicing by Splice AI and the BayesDel_noAF predictor score for this variant (0.4229) suggests a deleterious effect on protein function (PP3). However, it was reported by two or more calibrated studies with discordant results: Functional effect similar to pathogenic control variants (PMID:30765603) and between what was observed for benign and pathogenic control variants (PMID: 30209399), so PS3 and BS3 is not met. Moreover, several cases affected of breast and/or ovarian cancer carrying the variant are reported in the literature (PMID: 22476429, 33526602, 30093976, 30875412, 30264118, 35264596 and 2 internal cases), but there are no publications reporting cases of FA or cosegregations. In addition, the variant was also identified in the following databases: BRCA Exchange (Not yet reviewed), ClinVar (2x uncertain significance, 11x likely pathogenic, 7x pathogenic) and LOVD (2x uncertain significance, 1x pathogenic). Based on the currently available information, c.5165C>T is classified as an uncertain significance variant according to ClinGen-BRCA1 Guidelines version v1.0.0.

Ambry Genetics
Classification: Pathogenic for Hereditary cancer-predisposing syndrome. Last evaluated: 2024-09-02. Review status: criteria provided, single submitter. Criteria: Ambry Variant Classification Scheme 2023. Collection method: clinical testing. Allele origin: germline.
Comment: The p.S1722F pathogenic mutation (also known as c.5165C>T), located in coding exon 17 of the BRCA1 gene, results from a C to T substitution at nucleotide position 5165. The serine at codon 1722 is replaced by phenylalanine, an amino acid with highly dissimilar properties. Based on multiple structural and functional analyses, this alteration was shown to significantly alter protease sensitivity, peptide binding activity, peptide binding specificity, and transcriptional activity of the mutant protein compared to wild type (Mirkovic N et al. Cancer Res. 2004 Jun;64:3790-7; Lee MS et al. Cancer Res. 2010 Jun;70:4880-90). This amino acid position is highly conserved in available vertebrate species. In addition, this alteration is predicted to be deleterious by in silico analysis. This variant is considered to be rare based on population cohorts in the Genome Aggregation Database (gnomAD). Based on the supporting evidence, this alteration is interpreted as a disease-causing mutation.